The following is an entry in ClinVar:

ClinVar aggregate classification (germline): Uncertain significance (1 of 4 stars; one submission).

Conditions:
Hermansky-Pudlak syndrome 2 (HPS2). Also called: Platelet defects and oculocutaneous albinism. Identifiers: Orphanet 183678, Orphanet 79430, MedGen C1842362, MONDO:0011997, OMIM 608233.

Allele frequency attached by ClinVar (database versions not stated): TOPMed below 0.00001; gnomAD 0.00001.
gnomAD v4.1: 4 of 1,608,270 alleles (0.00025%); highest among the groups gnomAD compares: Middle Eastern, 0.033%; no homozygotes.

Submission:

Labcorp Genetics (formerly Invitae), Labcorp
Classification: Uncertain significance for Hermansky-Pudlak syndrome 2. Last evaluated: 2023-01-30. Review status: criteria provided, single submitter. Criteria: Invitae Variant Classification Sherloc (09022015). Collection method: clinical testing. Allele origin: germline.
Comment: This sequence change replaces serine, which is neutral and polar, with leucine, which is neutral and non-polar, at codon 856 of the AP3B1 protein (p.Ser856Leu). This variant is present in population databases (no rsID available, gnomAD 0.0009%). This variant has not been reported in the literature in individuals affected with AP3B1-related conditions. Algorithms developed to predict the effect of missense changes on protein structure and function (SIFT, PolyPhen-2, Align-GVGD) all suggest that this variant is likely to be tolerated. In summary, the available evidence is currently insufficient to determine the role of this variant in disease. Therefore, it has been classified as a Variant of Uncertain Significance.

NM_003664.5(AP3B1):c.2567C>T (p.Ser856Leu)

Gene: AP3B1 (adaptor related protein complex 3 subunit beta 1; minus strand). Cytogenetic location: 5q14.1.
Variant type: single nucleotide variant.
Coding change: c.2567C>T on transcript NM_003664.5 (MANE Select); coding-DNA position 2567, C replaced by T.
Protein change: p.Ser856Leu; replaces serine 856 with leucine.
Molecular consequence: missense variant.
Genome position (GRCh38, 1-based): chr5:78,089,403, G>A on the plus strand (C>T on the coding strand, the complement: AP3B1 is on the minus strand). VCF-style: chr5-78089403-G-A. GRCh37 (hg19) VCF-style: chr5-77385227-G-A.
Other names: c.2420C>T, p.Ser807Leu (NM_001271769.2); c.2567C>T, p.Ser856Leu (NM_001410752.1); short protein forms S807L, S856L.
Identifiers: ClinVar variation 2898837 (VCV002898837.3), dbSNP rs1226691111, ClinGen allele CA360333011.